The following is an entry in ClinVar:

ClinVar aggregate classification (germline): Conflicting classifications of pathogenicity. Review status: criteria provided, conflicting classifications (1 of 4 stars). 2 submissions from 2 submitters: Uncertain significance (1); Likely benign (1). Last evaluated 2025-11-25.

Conditions:
Inborn genetic diseases. Identifiers: MedGen C0950123, MeSH D030342.
Leukocyte adhesion deficiency 1 (LAD1). Also called: LEUKOCYTE ADHESION DEFICIENCY, TYPE I; LAD 1; Lymphocyte function-associated antigen 1 immunodeficiency; LFA 1 immunodeficiency. Identifiers: Orphanet 2968, Orphanet 99842, MedGen C0398738, MONDO:0007293, OMIM 116920.

gnomAD v4.1: 21 of 1,614,078 alleles (0.0013%); highest among the groups gnomAD compares: Admixed American, 0.005%; no homozygotes.

Submissions (2):

Ambry Genetics
Classification: Likely benign for Inborn genetic diseases. Last evaluated: 2025-11-25. Review status: criteria provided, single submitter. Criteria: Ambry Variant Classification Scheme 2023. Collection method: clinical testing. Allele origin: germline.

Labcorp Genetics (formerly Invitae), Labcorp
Classification: Uncertain significance for Leukocyte adhesion deficiency 1. Last evaluated: 2022-04-23. Review status: criteria provided, single submitter. Criteria: Invitae Variant Classification Sherloc (09022015). Collection method: clinical testing. Allele origin: germline.
Comment: Algorithms developed to predict the effect of missense changes on protein structure and function output the following: SIFT: "Tolerated"; PolyPhen-2: "Benign"; Align-GVGD: "Class C0". The glutamine amino acid residue is found in multiple mammalian species, which suggests that this missense change does not adversely affect protein function. This variant has not been reported in the literature in individuals affected with ITGB2-related conditions. This variant is present in population databases (rs777889637, gnomAD 0.007%). This sequence change replaces histidine, which is basic and polar, with glutamine, which is neutral and polar, at codon 392 of the ITGB2 protein (p.His392Gln). In summary, the available evidence is currently insufficient to determine the role of this variant in disease. Therefore, it has been classified as a Variant of Uncertain Significance.

NM_000211.5(ITGB2):c.1176C>G (p.His392Gln)

Gene: ITGB2 (integrin subunit beta 2; minus strand). Cytogenetic location: 21q22.3.
Variant type: single nucleotide variant.
Coding change: c.1176C>G on transcript NM_000211.5 (MANE Select); coding-DNA position 1176, C replaced by G.
Protein change: p.His392Gln; replaces histidine 392 with glutamine.
Molecular consequence: missense variant.
Genome position (GRCh38, 1-based): chr21:44,893,452, G>C on the plus strand (C>G on the coding strand, the complement: ITGB2 is on the minus strand). VCF-style: chr21-44893452-G-C. GRCh37 (hg19) VCF-style: chr21-46313367-G-C.
Other names: c.1176C>G, p.His392Gln (NM_001127491.3); c.969C>G, p.His323Gln (NM_001303238.2); short protein forms H323Q, H392Q.
Identifiers: ClinVar variation 1942392 (VCV001942392.6), dbSNP rs777889637, ClinGen allele CA10062907.